The following is an entry in ClinVar:

NM_003322.6(TULP1):c.1529C>T (p.Ala510Val)

Gene: TULP1 (TUB like protein 1; minus strand). Cytogenetic location: 6p21.31.
Variant type: single nucleotide variant.
Coding change: c.1529C>T on transcript NM_003322.6 (MANE Select); coding-DNA position 1529, C replaced by T.
Protein change: p.Ala510Val; replaces alanine 510 with valine.
Molecular consequence: missense variant.
Genome position (GRCh38, 1-based): chr6:35,498,427, G>A on the plus strand (C>T on the coding strand, the complement: TULP1 is on the minus strand). VCF-style: chr6-35498427-G-A. GRCh37 (hg19) VCF-style: chr6-35466204-G-A.
Other names: c.1370C>T, p.Ala457Val (NM_001289395.2); short protein forms A457V, A510V.
Identifiers: ClinVar variation 3776005 (VCV003776005.1).
Genomic context (GRCh38, chr6:35,498,427, plus strand): 5'-ATGGCGAAGGCCTGCAGGGCGCACAGCGGGTACCGGTAGTCTAGGGTGAAGGCGTCCTCC[G>A]CCACGCGGCCGAACTGCAGCACGATATAGTCGGCTATGGACACAAGACGGGGTGGGGGCG-3'
Protein context (NP_003313.3, residues 500-520): DYIVLQFGRV[Ala510Val]EDAFTLDYRY

ClinVar aggregate classification (germline): Uncertain significance (1 of 4 stars; one submission).

Conditions:
Retinitis pigmentosa 14 (RP14). Also called: RETINITIS PIGMENTOSA, JUVENILE, TULP1-RELATED. Identifiers: Orphanet 791, MedGen C1838603, MONDO:0010827, OMIM 600132.

gnomAD v4.1: 1 of 1,613,966 alleles (0.000062%); highest among the groups gnomAD compares: Admixed American, 0.0017%; no homozygotes.

Submission:

3billion
Classification: Uncertain significance for Retinitis pigmentosa 14. Last evaluated: 2023-10-20. Review status: criteria provided, single submitter. Criteria: ACMG Guidelines, 2015. Collection method: clinical testing. Allele origin: germline. Affected: yes.
Comment: The variant is observed at an extremely low frequency in the gnomAD v2.1.1 dataset (total allele frequency: <0.001%). Predicted Consequence/Location: Missense variant In silico tool predictions suggest damaging effect of the variant on gene or gene product [REVEL: 0.85 (>=0.6, sensitivity 0.68 and specificity 0.92); 3Cnet: 0.90 (>=0.6, sensitivity 0.72 and precision 0.9)]. Therefore, this variant is classified as VUS according to the recommendation of ACMG/AMP guideline.